The following is an entry in ClinVar:

ClinVar aggregate classification (germline): Likely pathogenic. Review status: criteria provided, multiple submitters, no conflicts (2 of 4 stars). 2 submissions from 2 submitters: Likely pathogenic (2). Last evaluated 2024-05-17.

Conditions:
Usher syndrome type 1 (USH1). Also called: RETINITIS PIGMENTOSA AND CONGENITAL DEAFNESS. Identifiers: Orphanet 231169, Orphanet 886, MedGen C1568247, MONDO:0010168, OMIM 276900.
Usher syndrome type 1B (USH1B). Also called: Usher syndrome type IB. Identifiers: MedGen C1848638, MONDO:0700087.

Submissions (2):

Natera, Inc.
Classification: Likely pathogenic for Usher syndrome type 1B. Last evaluated: 2024-05-17. Review status: criteria provided, single submitter. Criteria: Natera Variant Classification Schema (03/2026). Collection method: clinical testing. Allele origin: germline.
Comment: The c.842T>A variant in MYO7A is a nonsense variant predicted to introduce a stop codon at amino acid 281. This variant is expected to result in nonsense mediated decay, truncation, or a dysfunctional protein product. This variant is rare in the general population with a frequency below the threshold expected for the associated phenotype(s). Given the available evidence, this variant is classified as Likely Pathogenic.

Myriad Genetics, Inc.
Classification: Likely pathogenic for Usher syndrome type 1. Last evaluated: 2020-01-13. Review status: criteria provided, single submitter. Criteria: Myriad Women's Health Autosomal Recessive and X-Linked Classification Criteria (2019). Collection method: clinical testing. Allele origin: unknown.
Comment: NM_000260.3(MYO7A):c.842T>A(L281*) is expected to be pathogenic in the context of MYO7A-related disorders. This variant is predicted to lead to an abnormal or absent protein product due to the creation of a premature termination codon in MYO7A, a gene where loss-of-function variants are known to be pathogenic. Please note: this variant was assessed in the context of healthy population screening.

NM_000260.4(MYO7A):c.842T>A (p.Leu281Ter)

Gene: MYO7A (myosin VIIA; plus strand). Cytogenetic location: 11q13.5.
Variant type: single nucleotide variant.
Coding change: c.842T>A on transcript NM_000260.4 (MANE Select); coding-DNA position 842, T replaced by A.
Protein change: p.Leu281Ter; replaces leucine 281 with a stop codon.
Molecular consequence: nonsense.
Genome position (GRCh38, 1-based): chr11:77,157,385, T>A. VCF-style: chr11-77157385-T-A. GRCh37 (hg19) VCF-style: chr11-76868431-T-A.
Other names: c.842T>A, p.Leu281Ter (NM_001127180.2); c.809T>A, p.Leu270Ter (NM_001369365.1); c.842T>A (NM_000260.3); short protein forms L270*, L281*.
Identifiers: ClinVar variation 983713 (VCV000983713.4), dbSNP rs1952585733, ClinGen allele CA381932680.